The following is an entry in ClinVar:

NM_020318.3(PAPPA2):c.977G>A (p.Arg326His)

Gene: PAPPA2 (pappalysin 2; plus strand). Cytogenetic location: 1q25.2.
Variant type: single nucleotide variant.
Coding change: c.977G>A on transcript NM_020318.3 (MANE Select); coding-DNA position 977, G replaced by A.
Protein change: p.Arg326His; replaces arginine 326 with histidine.
Molecular consequence: missense variant.
Genome position (GRCh38, 1-based): chr1:176,594,581, G>A. VCF-style: chr1-176594581-G-A. GRCh37 (hg19) VCF-style: chr1-176563717-G-A.
Other names: c.977G>A, p.Arg326His (NM_021936.3); short protein forms R326H.
Identifiers: ClinVar variation 3208506 (VCV003208506.2), dbSNP rs372509506, ClinGen allele CA1257214.

ClinVar aggregate classification (germline): Uncertain significance. Review status: criteria provided, multiple submitters, no conflicts (2 of 4 stars). 2 submissions from 2 submitters: Uncertain significance (2). Last evaluated 2024-03-15.

Conditions:
Inborn genetic diseases. Identifiers: MedGen C0950123, MeSH D030342.

Allele frequency attached by ClinVar (database versions not stated): gnomAD 0.00005; TOPMed 0.00006; ExAC 0.00007; ESP Exome Variant Server 0.00008; gnomAD exomes 0.00012.
gnomAD v4.1: 183 of 1,614,028 alleles (0.011%); highest among the groups gnomAD compares: Middle Eastern, 0.033%; no homozygotes.

Submissions (2):

GeneDx
Classification: Uncertain significance. Last evaluated: 2024-03-15. Review status: criteria provided, single submitter. Criteria: GeneDx Variant Classification Process June 2021. Collection method: clinical testing. Allele origin: germline. Affected: yes.
Comment: In silico analysis supports that this missense variant does not alter protein structure/function; Has not been previously published as pathogenic or benign to our knowledge

Ambry Genetics
Classification: Uncertain significance for Inborn genetic diseases. Last evaluated: 2023-12-20. Review status: criteria provided, single submitter. Criteria: Ambry Variant Classification Scheme 2023. Collection method: clinical testing. Allele origin: germline.